The following is an entry in ClinVar:

ClinVar aggregate classification (germline): Uncertain significance (1 of 4 stars; one submission).

Submission:

Labcorp Genetics (formerly Invitae), Labcorp
Classification: Uncertain significance. Last evaluated: 2025-04-07. Review status: criteria provided, single submitter. Criteria: Invitae Variant Classification Sherloc (09022015). Collection method: clinical testing. Allele origin: germline.
Comment: This sequence change replaces leucine, which is neutral and non-polar, with valine, which is neutral and non-polar, at codon 45 of the IFITM5 protein (p.Leu45Val). This variant is present in population databases (rs376004295, gnomAD 0.005%). This variant has not been reported in the literature in individuals affected with IFITM5-related conditions. An algorithm developed to predict the effect of missense changes on protein structure and function (PolyPhen-2) suggests that this variant is likely to be tolerated. In summary, the available evidence is currently insufficient to determine the role of this variant in disease. Therefore, it has been classified as a Variant of Uncertain Significance.

NM_001025295.3(IFITM5):c.133C>G (p.Leu45Val)

Gene: IFITM5 (interferon induced transmembrane protein 5; minus strand). Cytogenetic location: 11p15.5.
Variant type: single nucleotide variant.
Coding change: c.133C>G on transcript NM_001025295.3 (MANE Select); coding-DNA position 133, C replaced by G.
Protein change: p.Leu45Val; replaces leucine 45 with valine.
Molecular consequence: missense variant.
Genome position (GRCh38, 1-based): chr11:299,358, G>C on the plus strand (C>G on the coding strand, the complement: IFITM5 is on the minus strand). VCF-style: chr11-299358-G-C. GRCh37 (hg19) VCF-style: chr11-299358-G-C.
Other names: short protein forms L45V.
Identifiers: ClinVar variation 4697601 (VCV004697601.1).
Genomic context (GRCh38, chr11:299,358, plus strand): 5'-TGCCCACCTTGATGGAGTAGGCCAGCGCCAGGAAGCCGAGGCAACACAGATTCAGGTAGA[G>C]GGTGCTGAACACCGACCAGATCAAGTGGTCTCGAGGCGGGGGGTGCGGGGCCCCCAGTGT-3'
Protein context (NP_001020466.1, residues 35-55): DHLIWSVFST[Leu45Val]YLNLCCLGFL